The following is an entry in ClinVar:

NM_001040142.2(SCN2A):c.5866G>A (p.Glu1956Lys)

Gene: SCN2A (sodium voltage-gated channel alpha subunit 2; plus strand). Cytogenetic location: 2q24.3.
Variant type: single nucleotide variant.
Coding change: c.5866G>A on transcript NM_001040142.2 (MANE Select); coding-DNA position 5866, G replaced by A.
Protein change: p.Glu1956Lys; replaces glutamic acid 1956 with lysine.
Molecular consequence: missense variant.
Genome position (GRCh38, 1-based): chr2:165,389,672, G>A. VCF-style: chr2-165389672-G-A. GRCh37 (hg19) VCF-style: chr2-166246182-G-A.
Other names: c.5866G>A, p.Glu1956Lys (NM_001040143.2, NM_001371246.1, NM_001371247.1 and 1 more transcripts); short protein forms E1956K.
Identifiers: ClinVar variation 1971824 (VCV001971824.5), dbSNP rs1553463905, ClinGen allele CA349040705.

ClinVar aggregate classification (germline): Uncertain significance (1 of 4 stars; one submission).

Conditions:
Seizures, benign familial infantile, 3 (BFIS3). Also called: Familial neonatal seizures; CONVULSIONS, BENIGN FAMILIAL INFANTILE, 3. Identifiers: Orphanet 140927, Orphanet 306, MedGen C1843140, MONDO:0011904, OMIM 607745.
Developmental and epileptic encephalopathy, 11 (DEE11). Also called: Early infantile epileptic encephalopathy 11. Identifiers: Orphanet 1934, MedGen C3150987, MONDO:0013388, OMIM 613721.

Submission:

Labcorp Genetics (formerly Invitae), Labcorp
Classification: Uncertain significance for Seizures, benign familial infantile, 3; Developmental and epileptic encephalopathy, 11. Last evaluated: 2022-09-14. Review status: criteria provided, single submitter. Criteria: Invitae Variant Classification Sherloc (09022015). Collection method: clinical testing. Allele origin: germline.
Comment: This sequence change replaces glutamic acid, which is acidic and polar, with lysine, which is basic and polar, at codon 1956 of the SCN2A protein (p.Glu1956Lys). This variant is not present in population databases (gnomAD no frequency). This variant has not been reported in the literature in individuals affected with SCN2A-related conditions. Advanced modeling of protein sequence and biophysical properties (such as structural, functional, and spatial information, amino acid conservation, physicochemical variation, residue mobility, and thermodynamic stability) has been performed at Invitae for this missense variant, however the output from this modeling did not meet the statistical confidence thresholds required to predict the impact of this variant on SCN2A protein function. In summary, the available evidence is currently insufficient to determine the role of this variant in disease. Therefore, it has been classified as a Variant of Uncertain Significance.